The following is an entry in ClinVar:

NM_001382567.1(STIM1):c.1170C>G (p.Leu390=)

Gene: STIM1 (stromal interaction molecule 1; plus strand). Cytogenetic location: 11p15.4.
Variant type: single nucleotide variant.
Coding change: c.1170C>G on transcript NM_001382567.1 (MANE Select); coding-DNA position 1170, C replaced by G.
Protein change: p.Leu390=; no amino-acid change (leucine 390 retained).
Molecular consequence: synonymous variant. On other transcripts: non-coding transcript variant (2).
Genome position (GRCh38, 1-based): chr11:4,082,914, C>G. VCF-style: chr11-4082914-C-G. GRCh37 (hg19) VCF-style: chr11-4104144-C-G.
Other names: p.Leu390=; c.1170C>G, p.Leu390= (NM_001277961.3, NM_001277962.2, NM_001382568.1 and 1 more transcripts); c.948C>G, p.Leu316= (NM_001382566.1, NM_001382573.1, NM_001382575.1 and 4 more transcripts); c.1035C>G, p.Leu345= (NM_001382569.1); c.942C>G, p.Leu314= (NM_001382570.1); c.690C>G, p.Leu230= (NM_001382571.1); c.681C>G, p.Leu227= (NM_001382580.1, NM_001382581.1).
Identifiers: ClinVar variation 461715 (VCV000461715.14), dbSNP rs143609147, ClinGen allele CA5830418.

ClinVar aggregate classification (germline): Benign/Likely benign. Review status: criteria provided, multiple submitters, no conflicts (2 of 4 stars). 4 submissions from 4 submitters: Benign (2); Likely benign (2). Last evaluated 2026-06-15.

Conditions:
Combined immunodeficiency due to STIM1 deficiency. Also called: STIM1 DEFICIENCY; IMMUNODEFICIENCY 10. Identifiers: Orphanet 169090, Orphanet 317430, MedGen C2748557, MONDO:0013008, OMIM 612783.
Myopathy with tubular aggregates (TAM). Also called: Tubular Aggregate Myopathy. Identifiers: Orphanet 2593, MedGen C0410207, MONDO:0008051.
Stormorken syndrome (STRMK). Also called: THROMBOCYTOPATHY, ASPLENIA, AND MIOSIS. Identifiers: Orphanet 3204, MedGen C1861451, MONDO:0008497, OMIM 185070.

Allele frequency attached by ClinVar (database versions not stated): gnomAD exomes 0.00008 and 0.00023; 1000 Genomes Project 0.00020; ExAC 0.00031; 1000 Genomes Project 30x 0.00047; gnomAD 0.00072 and 0.00080; TOPMed 0.00100; ESP Exome Variant Server 0.00115.
gnomAD v4.1: 237 of 1,614,174 alleles (0.015%); highest among the groups gnomAD compares: African/African-American, 0.27%; 1 homozygote.

Submissions (4):

Women's Health and Genetics/Laboratory Corporation of America, LabCorp
Classification: Benign. Last evaluated: 2026-06-15. Review status: criteria provided, single submitter. Criteria: LabCorp Variant Classification Summary - May 2015. Collection method: clinical testing. Allele origin: germline.
Comment: Variant summary: STIM1 c.1170C>G alters a conserved nucleotide resulting in a synonymous change. Consensus agreement among computation tools predict no significant impact on normal splicing. However, these predictions have yet to be confirmed by functional studies. The variant allele was found at a frequency of 0.00023 in 251348 control chromosomes, predominantly at a frequency of 0.0033 within the African or African-American subpopulation in the gnomAD database. The observed variant frequency within African or African-American control individuals in the gnomAD database exceeds the estimated maximal expected allele frequency for disease-causing variants in STIM1. To our knowledge, no occurrence of c.1170C>G in individuals affected with STIM1-related conditions and no experimental evidence demonstrating its impact on protein function have been reported. ClinVar contains an entry for this variant (Variation ID: 461715). Based on the evidence outlined above, the variant was classified as benign.

Labcorp Genetics (formerly Invitae), Labcorp
Classification: Benign for Myopathy with tubular aggregates; Combined immunodeficiency due to STIM1 deficiency; Stormorken syndrome. Last evaluated: 2026-01-13. Review status: criteria provided, single submitter. Criteria: Invitae Variant Classification Sherloc (09022015). Collection method: clinical testing. Allele origin: germline.

Mayo Clinic Laboratories, Mayo Clinic
Classification: Likely benign. Last evaluated: 2025-10-23. Review status: criteria provided, single submitter. Criteria: ACMG Guidelines, 2015. Collection method: clinical testing. Allele origin: germline. Observed: 11 variant alleles.
Comment: BS1, BP4, BP7

Blueprint Genetics
Classification: Likely benign. Last evaluated: 2024-11-25. Review status: criteria provided, single submitter. Criteria: ACMG Guidelines, 2015. Collection method: clinical testing. Allele origin: germline.